The following is an entry in ClinVar:

ClinVar aggregate classification (germline): Uncertain significance (1 of 4 stars; one submission).

Conditions:
HCK-related condition.

gnomAD v4.1: 2 of 1,614,182 alleles (0.00012%); highest among the groups gnomAD compares: Non-Finnish European, 0.00017%; no homozygotes.

Submission:

PreventionGenetics, part of Exact Sciences
Classification: Uncertain significance for HCK-related condition. Last evaluated: 2026-08-25. Review status: criteria provided, single submitter. Criteria: ACMG Guidelines, 2015. Collection method: clinical testing. Allele origin: germline.
Comment: The HCK c.1459T>C variant is predicted to result in the amino acid substitution p.Tyr487His. To our knowledge, this variant has not been reported in the literature. This variant is reported in 0.00088% of alleles in individuals of European (Non-Finnish) descent in gnomAD. At this time, the clinical significance of this variant is uncertain due to the absence of conclusive functional and genetic evidence.

NM_002110.5(HCK):c.1459T>C (p.Tyr487His)

Gene: HCK (HCK proto-oncogene, Src family tyrosine kinase; plus strand). Cytogenetic location: 20q11.21.
Variant type: single nucleotide variant.
Coding change: c.1459T>C on transcript NM_002110.5 (MANE Select); coding-DNA position 1459, T replaced by C.
Protein change: p.Tyr487His; replaces tyrosine 487 with histidine.
Molecular consequence: missense variant.
Genome position (GRCh38, 1-based): chr20:32,101,397, T>C. VCF-style: chr20-32101397-T-C. GRCh37 (hg19) VCF-style: chr20-30689200-T-C.
Other names: c.1396T>C, p.Tyr466His (NM_001172129.3, NM_001172133.3); c.1456T>C, p.Tyr486His (NM_001172130.3); c.1393T>C, p.Tyr465His (NM_001172131.3); c.1399T>C, p.Tyr467His (NM_001172132.3); short protein forms Y486H, Y487H, Y466H, Y467H, Y465H.
Identifiers: ClinVar variation 4982333 (VCV004982333.1).
Genomic context (GRCh38, chr20:32,101,397, plus strand): 5'-ATCCGAGCTCTGGAGCGTGGATACCGGATGCCTCGCCCAGAGAACTGCCCAGAGGAGCTC[T>C]ACAACATCATGATGCGCTGCTGGAAAAACCGTCCGGAGGAGCGGCCGACCTTCGAATACA-3'
Protein context (NP_002101.2, residues 477-497): PRPENCPEEL[Tyr487His]NIMMRCWKNR